The following is an entry in ClinVar:

ClinVar aggregate classification (germline): Pathogenic (1 of 4 stars; one submission).

Submission:

Labcorp Genetics (formerly Invitae), Labcorp
Classification: Pathogenic. Last evaluated: 2023-01-08. Review status: criteria provided, single submitter. Criteria: Invitae Variant Classification Sherloc (09022015). Collection method: clinical testing. Allele origin: germline.
Comment: This variant is not present in population databases (gnomAD no frequency). This sequence change creates a premature translational stop signal (p.Lys607Glufs*6) in the FAM161A gene. It is expected to result in an absent or disrupted protein product. Loss-of-function variants in FAM161A are known to be pathogenic (PMID: 20705278, 20705279, 24651477). This variant has not been reported in the literature in individuals affected with FAM161A-related conditions. For these reasons, this variant has been classified as Pathogenic.

Literature cited by the submitters: PubMed 20705278; PubMed 20705279; PubMed 24651477.

NM_001201543.2(FAM161A):c.1819_1820del (p.Lys607fs)

Gene: FAM161A (FAM161 centrosomal protein A; minus strand). Cytogenetic location: 2p15.
Variant type: Deletion.
Coding change: c.1819_1820del on transcript NM_001201543.2 (MANE Select); coding-DNA positions 1819 to 1820, 2 bases deleted (AA; older notation c.1819_1820delAA).
Protein change: p.Lys607fs; shifts the reading frame from lysine 607.
Molecular consequence: frameshift variant. On other transcripts: non-coding transcript variant (1).
Genome position (GRCh38, 1-based): chr2:61,836,041-61,836,042, TT deleted on the plus strand (AA on the coding strand, the reverse complement: FAM161A is on the minus strand); deleting any 2 consecutive bases within chr2:61,836,041-61,836,046 gives the same sequence; the c. name uses the placement nearest the transcript's 3' end. VCF-style (leftmost placement, unchanged base first): chr2-61836040-CTT-C. GRCh37 (hg19) VCF-style: chr2-62063175-CTT-C.
Other names: c.1651_1652del, p.Lys551fs (NM_032180.3); short protein forms K607fs, K551fs.
Identifiers: ClinVar variation 2825643 (VCV002825643.3), dbSNP rs773807649, ClinGen allele CA2659237845.